The following is an entry in ClinVar:

ClinVar aggregate classification (germline): Uncertain significance (1 of 4 stars; one submission).

Allele frequency attached by ClinVar (database versions not stated): gnomAD 0.00001; ExAC 0.00002; gnomAD exomes 0.00002 and 0.00003; TOPMed 0.00004; ESP Exome Variant Server 0.00008.
gnomAD v4.1: 30 of 1,613,330 alleles (0.0019%); highest among the groups gnomAD compares: Admixed American, 0.01%; no homozygotes.

Submission:

Labcorp Genetics (formerly Invitae), Labcorp
Classification: Uncertain significance. Last evaluated: 2025-12-17. Review status: criteria provided, single submitter. Criteria: Invitae Variant Classification Sherloc (09022015). Collection method: clinical testing. Allele origin: germline.
Comment: This sequence change replaces tyrosine, which is neutral and polar, with cysteine, which is neutral and slightly polar, at codon 684 of the GEN1 protein (p.Tyr684Cys). This variant is present in population databases (rs367927356, gnomAD 0.02%). This variant has not been reported in the literature in individuals affected with GEN1-related conditions. ClinVar contains an entry for this variant (Variation ID: 1430302). An algorithm developed to predict the effect of missense changes on protein structure and function outputs the following: PolyPhen-2: "Benign". The cysteine amino acid residue is found in multiple mammalian species, which suggests that this missense change does not adversely affect protein function. In summary, the available evidence is currently insufficient to determine the role of this variant in disease. Therefore, it has been classified as a Variant of Uncertain Significance.

NM_001130009.3(GEN1):c.2051A>G (p.Tyr684Cys)

Gene: GEN1 (GEN1 structure-specific endonuclease; plus strand). Cytogenetic location: 2p24.2.
Variant type: single nucleotide variant.
Coding change: c.2051A>G on transcript NM_001130009.3 (MANE Select); coding-DNA position 2051, A replaced by G.
Protein change: p.Tyr684Cys; replaces tyrosine 684 with cysteine.
Molecular consequence: missense variant.
Genome position (GRCh38, 1-based): chr2:17,781,263, A>G. VCF-style: chr2-17781263-A-G. GRCh37 (hg19) VCF-style: chr2-17962530-A-G.
Other names: c.2051A>G, p.Tyr684Cys (NM_182625.5); short protein forms Y684C.
Identifiers: ClinVar variation 1430302 (VCV001430302.6), dbSNP rs367927356, ClinGen allele CA1540881.